The following is an entry in ClinVar:

ClinVar aggregate classification (germline): Pathogenic. Review status: criteria provided, multiple submitters, no conflicts (2 of 4 stars). 5 submissions from 5 submitters: Pathogenic (5). Last evaluated 2024-10-21.

Conditions:
Amelogenesis imperfecta type 1A. Also called: Amelogenesis imperfecta local hypoplastic; Amelogenesis imperfecta, hypoplastic type; Amelogenesis imperfecta, type IA; AMELOGENESIS IMPERFECTA, HYPOPLASTIC TYPE IA. Identifiers: Orphanet 88661, MedGen C4011403, MONDO:0007094, OMIM 104530.
Junctional epidermolysis bullosa gravis of Herlitz. Also called: Epidermolysis Bullosa Letalis; EPIDERMOLYSIS BULLOSA, JUNCTIONAL 1B, SEVERE; EPIDERMOLYSIS BULLOSA JUNCTIONALIS, HERLITZ TYPE; Herlitz-type junctional epidermolysis bullosa; EPIDERMOLYSIS BULLOSA, JUNCTIONAL, HERLITZ-PEARSON TYPE; JEB-HERLITZ TYPE. Identifiers: Orphanet 79404, MedGen C0079683, MONDO:0009182, OMIM 226700.
Junctional epidermolysis bullosa, non-Herlitz type. Also called: Adult junctional epidermolysis bullosa; COL17A1-Related Junctional Epidermolysis Bullosa; EPIDERMOLYSIS BULLOSA, JUNCTIONAL 1A, INTERMEDIATE; Epidermolysis bullosa, junctional, non-herlitz type, somatic mosaic revertant; EPIDERMOLYSIS BULLOSA JUNCTIONALIS, DISENTIS TYPE; EPIDERMOLYSIS BULLOSA JUNCTIONALIS, NON-HERLITZ TYPE. Identifiers: Orphanet 251393, Orphanet 79402, Orphanet 79405, Orphanet 89840, MedGen C0268374, MONDO:0009180, OMIM 226650.
Junctional epidermolysis bullosa. Identifiers: Orphanet 305, MedGen C0079301, MONDO:0017612.

Allele frequency attached by ClinVar (database versions not stated): TOPMed below 0.00001.
gnomAD v4.1: 26 of 1,614,038 alleles (0.0016%); highest among the groups gnomAD compares: South Asian, 0.0055%; no homozygotes.

Submissions (5):

Labcorp Genetics (formerly Invitae), Labcorp
Classification: Pathogenic. Last evaluated: 2024-10-21. Review status: criteria provided, single submitter. Criteria: Invitae Variant Classification Sherloc (09022015). Collection method: clinical testing. Allele origin: germline.
Comment: This sequence change creates a premature translational stop signal (p.Arg81*) in the LAMB3 gene. It is expected to result in an absent or disrupted protein product. Loss-of-function variants in LAMB3 are known to be pathogenic (PMID: 11023379, 16473856). This variant is not present in population databases (gnomAD no frequency). This premature translational stop signal has been observed in individual(s) with junctional epidermolysis bullosa (PMID: 9767254). ClinVar contains an entry for this variant (Variation ID: 419475). For these reasons, this variant has been classified as Pathogenic.

Fulgent Genetics
Classification: Pathogenic for Amelogenesis imperfecta type 1A; Junctional epidermolysis bullosa, non-Herlitz type; Junctional epidermolysis bullosa gravis of Herlitz. Last evaluated: 2024-03-30. Review status: criteria provided, single submitter. Criteria: ACMG Guidelines, 2015. Collection method: clinical testing. Allele origin: germline.

Women's Health and Genetics/Laboratory Corporation of America, LabCorp
Classification: Pathogenic for Junctional epidermolysis bullosa. Last evaluated: 2020-11-13. Review status: criteria provided, single submitter. Criteria: LabCorp Variant Classification Summary - May 2015. Collection method: clinical testing. Allele origin: germline.
Comment: Variant summary: LAMB3 c.241C>T (p.Arg81X) results in a premature termination codon, predicted to cause a truncation of the encoded protein or absence of the protein due to nonsense mediated decay, which are commonly known mechanisms for disease. Truncations downstream of this position have been classified as pathogenic by our laboratory. The variant was absent in 251454 control chromosomes (gnomAD). c.241C>T has been reported in the literature in individuals affected with Junctional Epidermolysis Bullosa (Mellerio_1998, Castori_2008, Hammersen_2016). These data indicate that the variant is likely to be associated with disease. To our knowledge, no experimental evidence demonstrating an impact on protein function has been reported. One ClinVar submitter (evaluation after 2014) cites the variant as pathogenic. Based on the evidence outlined above, the variant was classified as pathogenic.

GeneDx
Classification: Pathogenic. Last evaluated: 2015-08-07. Review status: criteria provided, single submitter. Criteria: GeneDx Variant Classification (06012015). Collection method: clinical testing. Allele origin: germline. Affected: yes.
Comment: The R81X variant in the LAMB3 gene has been reported previously in association with junctionalepidermolysis bullosa in the homozygous state and in an individual who was also heterozygous for theE210K variant (Castori et al., 2008; Mellerio et al., 1998). This variant is predicted to cause loss ofnormal protein function either through protein truncation or nonsense-mediated mRNA decay. The R81Xvariant was not observed in approximately 6,500 individuals of European and African American ancestryin the NHLBI Exome Sequencing Project, indicating it is not a common benign variant in these populations.We interpret R81X as a pathogenic variant.

Biomedical Innovation Departament, CIEMAT
Classification: Pathogenic for Epidermolysis bullosa junctionalis. Last evaluated: 2011-06-21. Review status: criteria provided, single submitter. Criteria: ACMG Guidelines, 2015. Collection method: research. Allele origin: germline. Affected: yes. Observed: 1 variant allele.

Literature cited by the submitters: PubMed 11023379 (cited by Labcorp Genetics (formerly Invitae), Labcorp and Women's Health and Genetics/Laboratory Corporation of America, LabCorp); PubMed 16473856 (cited by Labcorp Genetics (formerly Invitae), Labcorp); PubMed 9767254 (cited by Labcorp Genetics (formerly Invitae), Labcorp and Women's Health and Genetics/Laboratory Corporation of America, LabCorp); PubMed 15538630 (cited by Women's Health and Genetics/Laboratory Corporation of America, LabCorp); PubMed 17916201 (cited by Women's Health and Genetics/Laboratory Corporation of America, LabCorp); PubMed 27375110 (cited by Women's Health and Genetics/Laboratory Corporation of America, LabCorp); PubMed 29900604 (cited by Women's Health and Genetics/Laboratory Corporation of America, LabCorp).

NM_000228.3(LAMB3):c.241C>T (p.Arg81Ter)

Gene: LAMB3 (laminin subunit beta 3; minus strand). Cytogenetic location: 1q32.2.
Variant type: single nucleotide variant.
Coding change: c.241C>T on transcript NM_000228.3 (MANE Select); coding-DNA position 241, C replaced by T.
Protein change: p.Arg81Ter; replaces arginine 81 with a stop codon.
Molecular consequence: nonsense.
Genome position (GRCh38, 1-based): chr1:209,638,591, G>A on the plus strand (C>T on the coding strand, the complement: LAMB3 is on the minus strand). VCF-style: chr1-209638591-G-A. GRCh37 (hg19) VCF-style: chr1-209811936-G-A.
Other names: c.241C>T, p.Arg81Ter (NM_001017402.2, NM_001127641.1); short protein forms R81*.
Identifiers: ClinVar variation 419475 (VCV000419475.10), dbSNP rs1064793896, ClinGen allele CA16617045.